The following is an entry in ClinVar:

ClinVar aggregate classification (germline): Uncertain significance (1 of 4 stars; one submission).

Conditions:
Early-infantile DEE. Also called: Early infantile epileptic encephalopathy with suppression bursts; Early infantile epileptic encephalopathy; Ohtahara syndrome. Identifiers: Orphanet 1934, MedGen C0393706, MONDO:0800491.

Submission:

Labcorp Genetics (formerly Invitae), Labcorp
Classification: Uncertain significance for Early-infantile DEE. Last evaluated: 2024-02-08. Review status: criteria provided, single submitter. Criteria: Invitae Variant Classification Sherloc (09022015). Collection method: clinical testing. Allele origin: germline.
Comment: This sequence change replaces tryptophan, which is neutral and slightly polar, with arginine, which is basic and polar, at codon 1988 of the SPTAN1 protein (p.Trp1988Arg). This variant is not present in population databases (gnomAD no frequency). This variant has not been reported in the literature in individuals affected with SPTAN1-related conditions. Advanced modeling of protein sequence and biophysical properties (such as structural, functional, and spatial information, amino acid conservation, physicochemical variation, residue mobility, and thermodynamic stability) has been performed at Invitae for this missense variant, however the output from this modeling did not meet the statistical confidence thresholds required to predict the impact of this variant on SPTAN1 protein function. In summary, the available evidence is currently insufficient to determine the role of this variant in disease. Therefore, it has been classified as a Variant of Uncertain Significance.

NM_001130438.3(SPTAN1):c.5962T>A (p.Trp1988Arg)

Gene: SPTAN1 (spectrin alpha, non-erythrocytic 1; plus strand). Cytogenetic location: 9q34.11.
Variant type: single nucleotide variant.
Coding change: c.5962T>A on transcript NM_001130438.3 (MANE Select); coding-DNA position 5962, T replaced by A.
Protein change: p.Trp1988Arg; replaces tryptophan 1988 with arginine.
Molecular consequence: missense variant.
Genome position (GRCh38, 1-based): chr9:128,624,457, T>A. VCF-style: chr9-128624457-T-A. GRCh37 (hg19) VCF-style: chr9-131386736-T-A.
Other names: c.5962T>A, p.Trp1988Arg (NM_001363759.2, NM_001375310.1, NM_001375311.2 and 1 more transcripts); c.5902T>A, p.Trp1968Arg (NM_001363765.2, NM_001375314.2); c.5998T>A, p.Trp2000Arg (NM_001375312.2, NM_001375318.1); c.5947T>A, p.Trp1983Arg (NM_003127.4); c.5887T>A, p.Trp1963Arg (NM_001195532.2); short protein forms W1968R, W1983R, W1963R, W1988R, W2000R.
Identifiers: ClinVar variation 3699231 (VCV003699231.2).